The following is an entry in ClinVar:

NM_001887.4(CRYBB1):c.394C>T (p.Arg132Cys)

Genes: CRYBA4 (crystallin beta A4; plus strand), CRYBB1 (crystallin beta B1; minus strand). Cytogenetic location: 22q12.1.
Variant type: single nucleotide variant.
Coding change: c.394C>T on transcript NM_001887.4 (MANE Select); coding-DNA position 394, C replaced by T.
Protein change: p.Arg132Cys; replaces arginine 132 with cysteine.
Molecular consequence: missense variant.
Genome position (GRCh38, 1-based): chr22:26,607,927, G>A on the plus strand (C>T on the coding strand, the complement: CRYBB1 is on the minus strand). VCF-style: chr22-26607927-G-A. GRCh37 (hg19) VCF-style: chr22-27003891-G-A.
Other names: c.394C>T (NM_001887.3); short protein forms R132C.
Identifiers: ClinVar variation 1450099 (VCV001450099.7), dbSNP rs148083686, ClinGen allele CA10165470.
Genomic context (GRCh38, chr22:26,607,927, plus strand): 5'-CCCCAGCCGGAGAGCCACTCACCATTTTGATGGGCCGGAAGGACATGAGCCGATCACTGC[G>A]GTAGCTGCTCGACCATGTGTTCCAGCGAGGGTACTCGCCCTTCTCCAGGATGAACATCTC-3'
Protein context (NP_001878.1, residues 122-142): PRWNTWSSSY[Arg132Cys]SDRLMSFRPI

ClinVar aggregate classification (germline): Uncertain significance. Review status: criteria provided, multiple submitters, no conflicts (2 of 4 stars). 2 submissions from 2 submitters: Uncertain significance (2). Last evaluated 2024-06-26.

Conditions:
Inborn genetic diseases. Identifiers: MedGen C0950123, MeSH D030342.
Cataract 17 multiple types. Also called: CATARACT 17, PULVERULENT; CATARACT 17, CONGENITAL NUCLEAR, AUTOSOMAL RECESSIVE. Identifiers: Orphanet 91492, MedGen C3888124, MONDO:0012688, OMIM 611544.

Allele frequency attached by ClinVar (database versions not stated): gnomAD exomes 0.00005; ExAC 0.00007; gnomAD 0.00018 and 0.00019; ESP Exome Variant Server 0.00023; TOPMed 0.00026.
gnomAD v4.1: 105 of 1,614,068 alleles (0.0065%); highest among the groups gnomAD compares: African/African-American, 0.073%; no homozygotes.

Submissions (2):

Ambry Genetics
Classification: Uncertain significance for Inborn genetic diseases. Last evaluated: 2024-06-26. Review status: criteria provided, single submitter. Criteria: Ambry Variant Classification Scheme 2023. Collection method: clinical testing. Allele origin: germline.

Labcorp Genetics (formerly Invitae), Labcorp
Classification: Uncertain significance for Cataract 17 multiple types. Last evaluated: 2021-11-30. Review status: criteria provided, single submitter. Criteria: Invitae Variant Classification Sherloc (09022015). Collection method: clinical testing. Allele origin: germline.
Comment: This sequence change replaces arginine, which is basic and polar, with cysteine, which is neutral and slightly polar, at codon 132 of the CRYBB1 protein (p.Arg132Cys). This variant is present in population databases (rs148083686, gnomAD 0.05%). This variant has not been reported in the literature in individuals affected with CRYBB1-related conditions. Algorithms developed to predict the effect of missense changes on protein structure and function are either unavailable or do not agree on the potential impact of this missense change (SIFT: "Deleterious"; PolyPhen-2: "Benign"; Align-GVGD: "Class C55"). In summary, the available evidence is currently insufficient to determine the role of this variant in disease. Therefore, it has been classified as a Variant of Uncertain Significance.